The following is an entry in ClinVar:

NM_005534.4(IFNGR2):c.668T>C (p.Ile223Thr)

Gene: IFNGR2 (interferon gamma receptor 2; plus strand). Cytogenetic location: 21q22.11.
Variant type: single nucleotide variant.
Coding change: c.668T>C on transcript NM_005534.4 (MANE Select); coding-DNA position 668, T replaced by C.
Protein change: p.Ile223Thr; replaces isoleucine 223 with threonine.
Molecular consequence: missense variant.
Genome position (GRCh38, 1-based): chr21:33,432,283, T>C. VCF-style: chr21-33432283-T-C. GRCh37 (hg19) VCF-style: chr21-34804590-T-C.
Other names: c.725T>C, p.Ile242Thr (NM_001329128.2); short protein forms I223T, I242T.
Identifiers: ClinVar variation 1384821 (VCV001384821.6), dbSNP rs764922061, ClinGen allele CA10006991.

ClinVar aggregate classification (germline): Uncertain significance. Review status: criteria provided, multiple submitters, no conflicts (2 of 4 stars). 2 submissions from 2 submitters: Uncertain significance (2). Last evaluated 2022-07-05.

Conditions:
Immunodeficiency 28 (IMD28). Also called: IFNGR2 DEFICIENCY. Identifiers: Orphanet 319547, Orphanet 319574, MedGen C4013947, MONDO:0013953, OMIM 614889.

Allele frequency attached by ClinVar (database versions not stated): ExAC 0.00001; gnomAD 0.00001; gnomAD exomes 0.00001; TOPMed 0.00002.
gnomAD v4.1: 10 of 1,613,990 alleles (0.00062%); highest among the groups gnomAD compares: Non-Finnish European, 0.00085%; no homozygotes.

Submissions (2):

Labcorp Genetics (formerly Invitae), Labcorp
Classification: Uncertain significance for Immunodeficiency 28. Last evaluated: 2022-07-05. Review status: criteria provided, single submitter. Criteria: Invitae Variant Classification Sherloc (09022015). Collection method: clinical testing. Allele origin: germline.
Comment: This sequence change replaces isoleucine, which is neutral and non-polar, with threonine, which is neutral and polar, at codon 223 of the IFNGR2 protein (p.Ile223Thr). This variant is present in population databases (rs764922061, gnomAD 0.003%). This variant has not been reported in the literature in individuals affected with IFNGR2-related conditions. ClinVar contains an entry for this variant (Variation ID: 1384821). Algorithms developed to predict the effect of missense changes on protein structure and function output the following: SIFT: "Tolerated"; PolyPhen-2: "Benign"; Align-GVGD: "Class C0". The threonine amino acid residue is found in multiple mammalian species, which suggests that this missense change does not adversely affect protein function. In summary, the available evidence is currently insufficient to determine the role of this variant in disease. Therefore, it has been classified as a Variant of Uncertain Significance.

Breakthrough Genomics
Classification: Uncertain significance. Review status: criteria provided, single submitter. Criteria: ACMG Guidelines, 2015. Collection method: not provided. Allele origin: germline. Inheritance: Autosomal dominant inheritance. Affected: yes.